The following is an entry in ClinVar:

NM_206933.4(USH2A):c.5102A>G (p.Asn1701Ser)

Genes: USH2A (usherin; minus strand), USH2A-AS2 (USH2A antisense RNA 2; plus strand). Cytogenetic location: 1q41.
Variant type: single nucleotide variant.
Coding change: c.5102A>G on transcript NM_206933.4 (MANE Select); coding-DNA position 5102, A replaced by G.
Protein change: p.Asn1701Ser; replaces asparagine 1701 with serine.
Molecular consequence: missense variant.
Genome position (GRCh38, 1-based): chr1:216,084,763, T>C on the plus strand (A>G on the coding strand, the complement: USH2A is on the minus strand). VCF-style: chr1-216084763-T-C. GRCh37 (hg19) VCF-style: chr1-216258105-T-C.
Other names: short protein forms N1701S.
Identifiers: ClinVar variation 3573745 (VCV003573745.1).

ClinVar aggregate classification (germline): Uncertain significance (1 of 4 stars; one submission).

Submission:

GeneDx
Classification: Uncertain significance. Last evaluated: 2024-07-18. Review status: criteria provided, single submitter. Criteria: GeneDx Variant Classification Process June 2021. Collection method: clinical testing. Allele origin: germline. Affected: yes.
Comment: Not observed at significant frequency in large population cohorts (gnomAD); In silico analysis indicates that this missense variant does not alter protein structure/function; Has not been previously published as pathogenic or benign to our knowledge